The following is an entry in ClinVar:

ClinVar aggregate classification (germline): Uncertain significance (1 of 4 stars; one submission).

Conditions:
Hereditary sensory and autonomic neuropathy type 6. Also called: HSAN VI; Neuropathy, hereditary sensory and autonomic, type VI. Identifiers: Orphanet 314381, MedGen C3539003, MONDO:0013839, OMIM 614653.
Epidermolysis bullosa simplex 3, localized or generalized intermediate, with BP230 deficiency (EBS3). Also called: Epidermolysis bullosa simplex, autosomal recessive 2; Epidermolysis bullosa simplex due to BP230 deficiency. Identifiers: Orphanet 412181, MedGen C3809470, MONDO:0014180, OMIM 615425.

Allele frequency attached by ClinVar (database versions not stated): TOPMed below 0.00001; gnomAD 0.00001 and 0.00002; gnomAD exomes 0.00001; ExAC 0.00002; 1000 Genomes Project 0.00020; 1000 Genomes Project 30x 0.00031.
gnomAD v4.1: 5 of 1,613,878 alleles (0.00031%); highest among the groups gnomAD compares: Admixed American, 0.0033%; no homozygotes.

Submission:

Labcorp Genetics (formerly Invitae), Labcorp
Classification: Uncertain significance for Epidermolysis bullosa simplex 3, localized or generalized intermediate, with BP230 deficiency; Hereditary sensory and autonomic neuropathy type 6. Last evaluated: 2021-04-11. Review status: criteria provided, single submitter. Criteria: Invitae Variant Classification Sherloc (09022015). Collection method: clinical testing. Allele origin: germline.
Comment: In summary, the available evidence is currently insufficient to determine the role of this variant in disease. Therefore, it has been classified as a Variant of Uncertain Significance. Experimental studies and prediction algorithms are not available or were not evaluated, and the functional significance of this variant is currently unknown. This variant has not been reported in the literature in individuals with DST-related conditions. This variant is present in population databases (rs536571445, ExAC 0.009%). This sequence change replaces threonine with isoleucine at codon 2767 of the DST protein (p.Thr2767Ile). The DST gene has multiple clinically relevant transcripts. This variant occurs in alternate transcript NM_015548.4, and corresponds to NM_001723.5:c.*62894C>T in the primary transcript.

NM_001374736.1(DST):c.16169C>T (p.Thr5390Ile)

Gene: DST (dystonin; minus strand). Cytogenetic location: 6p12.1.
Variant type: single nucleotide variant.
Coding change: c.16169C>T on transcript NM_001374736.1 (MANE Select); coding-DNA position 16169, C replaced by T.
Protein change: p.Thr5390Ile; replaces threonine 5390 with isoleucine.
Molecular consequence: missense variant.
Genome position (GRCh38, 1-based): chr6:56,552,623, G>A on the plus strand (C>T on the coding strand, the complement: DST is on the minus strand). VCF-style: chr6-56552623-G-A. GRCh37 (hg19) VCF-style: chr6-56417421-G-A.
Other names: c.8300C>T (NM_015548.4); c.9812C>T, p.Thr3271Ile (NM_001144769.5); c.9398C>T, p.Thr3133Ile (NM_001144770.2); c.16169C>T, p.Thr5390Ile (NM_001374722.1); c.15536C>T, p.Thr5179Ile (NM_001374729.1); c.9278C>T, p.Thr3093Ile (NM_001374730.1, NM_001386100.1, NM_183380.4); c.16196C>T, p.Thr5399Ile (NM_001374734.1); c.8300C>T, p.Thr2767Ile (NM_015548.5); short protein forms T5179I, T5390I, T5399I, T3133I, T2767I, T3093I, T3271I.
Identifiers: ClinVar variation 1434481 (VCV001434481.7), dbSNP rs536571445, ClinGen allele CA3867719.
Genomic context (GRCh38, chr6:56,552,623, plus strand): 5'-GGAGCCATGCTATCCAGTTCATCATCAAACTCTGCGAACTGAGAAAACATTTCTCGAATG[G>A]TATTCTGGAAATGCCCAATGCCCTGAAGCTTGGTTTCTAAGAAAGAACACTTTTCATCAA-3'
Protein context (NP_001361665.1, residues 5380-5400): KLQGIGHFQN[Thr5390Ile]IREMFSQFAE